The following is an entry in ClinVar:

NM_033305.3(VPS13A):c.2512+1G>A

Gene: VPS13A (vacuolar protein sorting 13 homolog A; plus strand). Cytogenetic location: 9q21.2.
Variant type: single nucleotide variant.
Coding change: c.2512+1G>A on transcript NM_033305.3 (MANE Select); the canonical splice donor site of the intron after coding-DNA position 2512, G replaced by A.
Molecular consequence: splice donor variant.
Genome position (GRCh38, 1-based): chr9:77,273,365, G>A. VCF-style: chr9-77273365-G-A. GRCh37 (hg19) VCF-style: chr9-79888281-G-A.
Other names: c.2512+1G>A (NM_001018037.2, NM_015186.4, NM_001018038.3).
Identifiers: ClinVar variation 2577485 (VCV002577485.2), dbSNP rs2537804052, ClinGen allele CA373843752.

ClinVar aggregate classification (germline): Pathogenic (1 of 4 stars; one submission).

Conditions:
VPS13A-related neurodegenerative disease. Also called: VPS13A Disease; LEVINE-CRITCHLEY SYNDROME; Choreoacanthocytosis; ACANTHOCYTOSIS WITH NEUROLOGIC DISORDER; Chorea-acanthocytosis; Choreaacanthocytosis. Identifiers: Orphanet 2388, MedGen C0393576, MONDO:0008695, OMIM 200150.

Allele frequency attached by ClinVar (database versions not stated): gnomAD exomes below 0.00001.
gnomAD v4.1: 1 of 1,603,870 alleles (0.000062%); highest among the groups gnomAD compares: Non-Finnish European, 0.000085%; no homozygotes.

Submission:

Department of Genetics and Molecular Medicine, Faculty of Medicine, Zanjan University of Medical Sciences
Classification: Pathogenic for VPS13A-related neurodegenerative disease. Review status: criteria provided, single submitter. Criteria: ACMG Guidelines, 2015. Collection method: clinical testing. Allele origin: biparental. Inheritance: Autosomal recessive inheritance. Affected: yes. Observed: 1 homozygote. Segregation with disease observed.
Comment: The variant c.2512+1G>A was predicted by ASSP, NNSplice, and Netgene2 to disrupt the wild-type donor splice site (gaagatgGTaaaatg) at the end of exon 24. Both ASSP and NNSplice further predicted a cryptic splice site (ttcatggGTacatgc) within intron 24 at position c.2512+202. The corresponding scores assigned by ASSP and NNSplice to this cryptic splice site were 6.171 and 0.52, respectively. This alteration is likely to result in a frameshift due to the retention of 203 bp of intron 24, leading to the formation of a premature termination codon.this variant was not detected in control databases such as the 1000G, EVS, ExAC, and dbSNP or in the literature. Additionally, this variant was absent in the Iranome database.